The following is an entry in ClinVar:

NM_001194.4(HCN2):c.2433_2448del (p.Leu813fs)

Gene: HCN2 (hyperpolarization activated cyclic nucleotide gated potassium and sodium channel 2; plus strand). Cytogenetic location: 19p13.3.
Variant type: Deletion.
Coding change: c.2433_2448del on transcript NM_001194.4 (MANE Select); coding-DNA positions 2433 to 2448, 16 bases deleted (CCGCCTGAGCCGCGCG).
Protein change: p.Leu813fs; shifts the reading frame from leucine 813.
Molecular consequence: frameshift variant.
Genome position (GRCh38, 1-based): chr19:616,237-616,252, CCGCCTGAGCCGCGCG deleted; deleting any 16 consecutive bases within chr19:616,230-616,252 gives the same sequence; the c. name uses the placement nearest the transcript's 3' end. VCF-style (leftmost placement, unchanged base first): chr19-616229-CCCGCGCGCCGCCTGAG-C. GRCh37 (hg19) VCF-style: chr19-616229-CCCGCGCGCCGCCTGAG-C.
Other names: short protein forms L813fs.
Identifiers: ClinVar variation 2576611 (VCV002576611.1), dbSNP rs2512463086, ClinGen allele CA2580613008.

ClinVar aggregate classification (germline): Uncertain significance (1 of 4 stars; one submission).

Conditions:
Epilepsy, idiopathic generalized, susceptibility to, 17 (EIG17). Identifiers: MedGen C5561931, MONDO:0100519, OMIM 602477.

Submission:

Institute of Human Genetics, University of Leipzig Medical Center
Classification: Uncertain significance for Epilepsy, idiopathic generalized, susceptibility to, 17. Last evaluated: 2023-05-22. Review status: criteria provided, single submitter. Criteria: ACMG Guidelines, 2015. Collection method: clinical testing. Allele origin: paternal. Inheritance: Autosomal dominant inheritance. Affected: yes.
Comment: Criteria applied: PM4,PM2_SUP